The following is an entry in ClinVar:

NM_001384900.1(SEMA3D):c.1957C>G (p.Arg653Gly)

Genes: SEMA3D (semaphorin 3D; minus strand), LOC126860094 (BRD4-independent group 4 enhancer GRCh37_chr7:84628763-84629962; plus strand). Cytogenetic location: 7q21.11.
Variant type: single nucleotide variant.
Coding change: c.1957C>G on transcript NM_001384900.1 (MANE Select); coding-DNA position 1957, C replaced by G.
Protein change: p.Arg653Gly; replaces arginine 653 with glycine.
Molecular consequence: missense variant.
Genome position (GRCh38, 1-based): chr7:84,999,817, G>C on the plus strand (C>G on the coding strand, the complement: SEMA3D is on the minus strand). VCF-style: chr7-84999817-G-C. GRCh37 (hg19) VCF-style: chr7-84629133-G-C.
Other names: c.1957C>G, p.Arg653Gly (NM_001384901.1, NM_001384902.1, NM_001384903.1 and 1 more transcripts); short protein forms R653G.
Identifiers: ClinVar variation 2634977 (VCV002634977.2), dbSNP rs542894514, ClinGen allele CA4323231.

ClinVar aggregate classification (germline): Uncertain significance. Review status: criteria provided, multiple submitters, no conflicts (2 of 4 stars). 2 submissions from 2 submitters: Uncertain significance (2). Last evaluated 2024-05-13.

Conditions:
SEMA3D-related disorder. Also called: SEMA3D-related condition.

Allele frequency attached by ClinVar (database versions not stated): TOPMed 0.00003.
gnomAD v4.1: 12 of 1,613,804 alleles (0.00074%); highest among the groups gnomAD compares: East Asian, 0.0067%; no homozygotes.

Submissions (2):

Ambry Genetics
Classification: Uncertain significance. Last evaluated: 2024-05-13. Review status: criteria provided, single submitter. Criteria: Ambry Variant Classification Scheme 2023. Collection method: clinical testing. Allele origin: germline.

PreventionGenetics, part of Exact Sciences
Classification: Uncertain significance for SEMA3D-related condition. Last evaluated: 2023-10-11. Review status: criteria provided, single submitter. Criteria: ACMG Guidelines, 2015. Collection method: clinical testing. Allele origin: germline.
Comment: The SEMA3D c.1957C>G variant is predicted to result in the amino acid substitution p.Arg653Gly. To our knowledge, this variant has not been reported in the literature. This variant is reported in 0.038% of alleles in individuals of East Asian descent in gnomAD. At this time, the clinical significance of this variant is uncertain due to the absence of conclusive functional and genetic evidence.